The following is an entry in ClinVar:

NM_152564.5(VPS13B):c.5988A>G (p.Lys1996=)

Gene: VPS13B (vacuolar protein sorting 13 homolog B; plus strand). Cytogenetic location: 8q22.2.
Variant type: single nucleotide variant.
Coding change: c.5988A>G on transcript NM_152564.5 (MANE Select); coding-DNA position 5988, A replaced by G.
Protein change: p.Lys1996=; no amino-acid change (lysine 1996 retained).
Molecular consequence: synonymous variant.
Genome position (GRCh38, 1-based): chr8:99,661,433, A>G. VCF-style: chr8-99661433-A-G. GRCh37 (hg19) VCF-style: chr8-100673661-A-G.
Other names: c.6063A>G, p.Lys2021= (NM_017890.5).
Identifiers: ClinVar variation 703697 (VCV000703697.14), dbSNP rs767548464, ClinGen allele CA4823908.

ClinVar aggregate classification (germline): Likely benign. Review status: criteria provided, multiple submitters, no conflicts (2 of 4 stars). 2 submissions from 2 submitters: Likely benign (2). Last evaluated 2026-04-01.

Conditions:
Cohen syndrome (COH1). Also called: Cutis verticis gyrata, retinitis pigmentosa, and sensorineural deafness; PEPPER SYNDROME. Identifiers: Orphanet 193, MedGen C0265223, MONDO:0008999, OMIM 216550.

Allele frequency attached by ClinVar (database versions not stated): gnomAD exomes below 0.00001 and 0.00001; ExAC 0.00001.
gnomAD v4.1: 2 of 1,613,768 alleles (0.00012%); highest among the groups gnomAD compares: Admixed American, 0.0033%; no homozygotes.

Submissions (2):

CeGaT Center for Human Genetics Tuebingen
Classification: Likely benign. Last evaluated: 2026-04-01. Review status: criteria provided, single submitter. Criteria: CeGaT Center For Human Genetics Tuebingen Variant Classification Criteria Version 2. Collection method: clinical testing. Allele origin: germline. Affected: yes. Observed: 1 variant allele.
Comment: VPS13B: BP4, BP7

Labcorp Genetics (formerly Invitae), Labcorp
Classification: Likely benign for Cohen syndrome. Last evaluated: 2025-08-11. Review status: criteria provided, single submitter. Criteria: Invitae Variant Classification Sherloc (09022015). Collection method: clinical testing. Allele origin: germline.